The following is an entry in ClinVar:

ClinVar aggregate classification (germline): Uncertain significance. Review status: criteria provided, multiple submitters, no conflicts (2 of 4 stars). 3 submissions from 3 submitters: Uncertain significance (3). Last evaluated 2022-06-20.

Conditions:
Retinitis pigmentosa (RP). Identifiers: Orphanet 791, MedGen C0035334, MeSH D012174, MONDO:0019200, OMIM 268000. Inheritance: Autosomal dominant, autosomal recessive and X linked inheritance.

Allele frequency attached by ClinVar (database versions not stated): TOPMed below 0.00001; ExAC 0.00001; gnomAD 0.00001; gnomAD exomes 0.00001.
gnomAD v4.1: 23 of 1,613,944 alleles (0.0014%); highest among the groups gnomAD compares: Non-Finnish European, 0.0019%; no homozygotes.

Submissions (3):

Labcorp Genetics (formerly Invitae), Labcorp
Classification: Uncertain significance. Last evaluated: 2022-06-20. Review status: criteria provided, single submitter. Criteria: Invitae Variant Classification Sherloc (09022015). Collection method: clinical testing. Allele origin: germline.
Comment: This variant is present in population databases (rs778411450, gnomAD 0.002%). This sequence change replaces isoleucine with methionine at codon 54 of the CA4 protein (p.Ile54Met). The isoleucine residue is highly conserved and there is a small physicochemical difference between isoleucine and methionine. This missense change has been observed in individual(s) with clinical features of retinitis pigmentosa (Invitae). ClinVar contains an entry for this variant (Variation ID: 890023). Algorithms developed to predict the effect of missense changes on protein structure and function are either unavailable or do not agree on the potential impact of this missense change (SIFT: "Not Available"; PolyPhen-2: "Probably Damaging"; Align-GVGD: "Not Available"). In summary, the available evidence is currently insufficient to determine the role of this variant in disease. Therefore, it has been classified as a Variant of Uncertain Significance.

Blueprint Genetics
Classification: Uncertain significance. Last evaluated: 2021-03-08. Review status: criteria provided, single submitter. Criteria: ACMG Guidelines, 2015. Collection method: clinical testing. Allele origin: germline.

Illumina Laboratory Services, Illumina
Classification: Uncertain significance for Retinitis pigmentosa. Last evaluated: 2017-04-27. Review status: criteria provided, single submitter. Criteria: ICSL Variant Classification Criteria 13 December 2019. Collection method: clinical testing. Allele origin: germline.

NM_000717.5(CA4):c.162C>G (p.Ile54Met)

Gene: CA4 (carbonic anhydrase 4; plus strand). Cytogenetic location: 17q23.1.
Variant type: single nucleotide variant.
Coding change: c.162C>G on transcript NM_000717.5 (MANE Select); coding-DNA position 162, C replaced by G.
Protein change: p.Ile54Met; replaces isoleucine 54 with methionine.
Molecular consequence: missense variant. On other transcripts: non-coding transcript variant (1).
Genome position (GRCh38, 1-based): chr17:60,156,609, C>G. VCF-style: chr17-60156609-C-G. GRCh37 (hg19) VCF-style: chr17-58233970-C-G.
Other names: short protein forms I54M.
Identifiers: ClinVar variation 890023 (VCV000890023.12), dbSNP rs778411450, ClinGen allele CA8685251.